The following is an entry in ClinVar:

NM_033028.5(BBS4):c.1226G>C (p.Ser409Thr)

Gene: BBS4 (Bardet-Biedl syndrome 4; plus strand). Cytogenetic location: 15q24.1.
Variant type: single nucleotide variant.
Coding change: c.1226G>C on transcript NM_033028.5 (MANE Select); coding-DNA position 1226, G replaced by C.
Protein change: p.Ser409Thr; replaces serine 409 with threonine.
Molecular consequence: missense variant. On other transcripts: non-coding transcript variant (2).
Genome position (GRCh38, 1-based): chr15:72,735,944, G>C. VCF-style: chr15-72735944-G-C. GRCh37 (hg19) VCF-style: chr15-73028285-G-C.
Other names: c.710G>C, p.Ser237Thr (NM_001252678.2); c.1157G>C, p.Ser386Thr (NM_001320665.2); short protein forms S237T, S386T, S409T.
Identifiers: ClinVar variation 3353328 (VCV003353328.1).

ClinVar aggregate classification (germline): Uncertain significance (0 of 4 stars; one submission).

Conditions:
BBS4-related disorder. Also called: BBS4-related condition.

gnomAD v4.1: 6 of 1,614,028 alleles (0.00037%); highest among the groups gnomAD compares: South Asian, 0.0066%; no homozygotes.

Submission:

PreventionGenetics, part of Exact Sciences
Classification: Uncertain significance for BBS4-related condition. Last evaluated: 2024-07-17. Review status: no assertion criteria provided. Collection method: clinical testing. Allele origin: germline.
Comment: The BBS4 c.1226G>C variant is predicted to result in the amino acid substitution p.Ser409Thr. To our knowledge, this variant has not been reported in the literature. This variant is reported in 0.0065% of alleles in individuals of South Asian descent in gnomAD. At this time, the clinical significance of this variant is uncertain due to the absence of conclusive functional and genetic evidence.